The following is an entry in ClinVar:

ClinVar aggregate classification (germline): Pathogenic (1 of 4 stars; one submission).

Conditions:
Neurometabolic disorder due to serine deficiency. Identifiers: Orphanet 35705, MedGen C5680148, MONDO:0018162.

Submission:

Myriad Genetics, Inc.
Classification: Pathogenic for Neurometabolic disorder due to serine deficiency. Last evaluated: 2023-10-16. Review status: criteria provided, single submitter. Criteria: Myriad Autosomal Dominant, Autosomal Recessive and X-Linked Classification Criteria (2023). Collection method: clinical testing. Allele origin: unknown.
Comment: NM_006623.3(PHGDH):c.1075_1076delCA(Q359Gfs*35) is expected to be pathogenic in the context of serine deficiency disorder, PHGDH-related. This variant is predicted to lead to an abnormal or absent protein product due to the creation of a premature termination codon in PHGDH, a gene where loss-of-function variants are known to be pathogenic. Please note: this variant was assessed in the context of healthy population screening.

NM_006623.4(PHGDH):c.1075_1076del (p.Gln359fs)

Gene: PHGDH (phosphoglycerate dehydrogenase; plus strand). Cytogenetic location: 1p12.
Variant type: Microsatellite.
Coding change: c.1075_1076del on transcript NM_006623.4 (MANE Select); coding-DNA positions 1075 to 1076, 2 bases deleted (CA; older notation c.1075_1076delCA).
Protein change: p.Gln359fs; shifts the reading frame from glutamine 359.
Molecular consequence: frameshift variant.
Genome position (GRCh38, 1-based): chr1:119,740,515-119,740,516, CA deleted; deleting any 2 consecutive bases within chr1:119,740,512-119,740,516 gives the same sequence; the c. name uses the placement nearest the transcript's 3' end. VCF-style (leftmost placement, unchanged base first): chr1-119740511-AAC-A. GRCh37 (hg19) VCF-style: chr1-120283134-AAC-A.
Other names: short protein forms Q359fs.
Identifiers: ClinVar variation 5012401 (VCV005012401.1).